The following is an entry in ClinVar:

ClinVar aggregate classification (germline): Benign (1 of 4 stars; one submission).

Conditions:
Pheochromocytoma. Also called: MAX-Related Hereditary Paraganglioma-Pheochromocytoma Syndrome. Identifiers: Orphanet 29072, MedGen C0031511, MONDO:0008233, OMIM 171300, HP:0002666.

Allele frequency attached by ClinVar (database versions not stated): gnomAD exomes 0.00022; gnomAD 0.00103; TOPMed 0.00116; 1000 Genomes Project 0.00160; 1000 Genomes Project 30x 0.00219.

Submission:

Illumina Laboratory Services, Illumina
Classification: Benign for Pheochromocytoma. Last evaluated: 2018-01-13. Review status: criteria provided, single submitter. Criteria: ICSL Variant Classification Criteria 13 December 2019. Collection method: clinical testing. Allele origin: germline.
Comment: This variant was observed in the ICSL laboratory as part of a predisposition screen in an ostensibly healthy population. It had not been previously curated by ICSL or reported in the Human Gene Mutation Database (HGMD: prior to June 1st, 2018), and was therefore a candidate for classification through an automated scoring system. Utilizing variant allele frequency, disease prevalence and penetrance estimates, and inheritance mode, an automated score was calculated to assess if this variant is too frequent to cause the disease. Based on the score and internal cut-off values, a variant classified as benign is not then subjected to further curation. The score for this variant resulted in a classification of benign for this disease.

NM_002382.5(MAX):c.*616C>T

Gene: MAX (MYC associated transcriptional regulator X; minus strand). Cytogenetic location: 14q23.3.
Variant type: single nucleotide variant.
Coding change: c.*616C>T on transcript NM_002382.5 (MANE Select); 616 bases downstream of the stop codon, C replaced by T.
Molecular consequence: 3 prime UTR variant. On other transcripts: intron variant (2).
Genome position (GRCh38, 1-based): chr14:65,075,860, G>A on the plus strand (C>T on the coding strand, the complement: MAX is on the minus strand). VCF-style: chr14-65075860-G-A. GRCh37 (hg19) VCF-style: chr14-65542578-G-A.
Other names: c.*616C>T (NM_001320415.2, NM_001407094.1, NM_001407095.1 and 7 more transcripts); c.*872C>T (NM_001407096.1, NM_001407099.1, NM_001407102.1 and 2 more transcripts); c.*888C>T (NM_001407097.1, NM_001407100.1, NM_001407101.1 and 4 more transcripts); c.144+17848C>T (NM_001271069.2); c.171+17848C>T (NM_197957.4).
Identifiers: ClinVar variation 880683 (VCV000880683.5), dbSNP rs192895631, ClinGen allele CA262716613.
Genomic context (GRCh38, chr14:65,075,860, plus strand): 5'-GAGGCTGGCGCCGCAGGCTTAAACAGCTGGCTGAGAGAAGCAGGAGTGAAACATGCCAGC[G>A]ACTCTGTGCTGCGAATCTGTCCCCACTTCCTTTTTATACCACAAACTTCTCTAAGGATCT-3'